The following is an entry in ClinVar:

ClinVar aggregate classification (germline): Uncertain significance (1 of 4 stars; one submission).

Conditions:
Hereditary cancer-predisposing syndrome. Also called: Neoplastic Syndromes, Hereditary; Tumor predisposition; Hereditary neoplastic syndrome; Hereditary Cancer Syndrome. Identifiers: Orphanet 140162, MedGen C0027672, MeSH D009386, MONDO:0015356.

Submission:

Ambry Genetics
Classification: Uncertain significance for Hereditary cancer-predisposing syndrome. Last evaluated: 2023-11-19. Review status: criteria provided, single submitter. Criteria: Ambry Variant Classification Scheme 2023. Collection method: clinical testing. Allele origin: germline.
Comment: The p.I722V variant (also known as c.2164A>G), located in coding exon 15 of the PDGFRA gene, results from an A to G substitution at nucleotide position 2164. The isoleucine at codon 722 is replaced by valine, an amino acid with highly similar properties. This amino acid position is conserved. In addition, this alteration is predicted to be tolerated by in silico analysis. Since supporting evidence is limited at this time, the clinical significance of this alteration remains unclear.

NM_006206.6(PDGFRA):c.2164A>G (p.Ile722Val)

Gene: PDGFRA (platelet derived growth factor receptor alpha; plus strand). Cytogenetic location: 4q12.
Variant type: single nucleotide variant.
Coding change: c.2164A>G on transcript NM_006206.6 (MANE Select); coding-DNA position 2164, A replaced by G.
Protein change: p.Ile722Val; replaces isoleucine 722 with valine.
Molecular consequence: missense variant.
Genome position (GRCh38, 1-based): chr4:54,280,323, A>G. VCF-style: chr4-54280323-A-G. GRCh37 (hg19) VCF-style: chr4-55146490-A-G.
Other names: c.2164A>G, p.Ile722Val (NM_001347827.2, NM_001347829.2); c.2239A>G, p.Ile747Val (NM_001347828.2); c.2203A>G, p.Ile735Val (NM_001347830.2); short protein forms I722V, I735V, I747V.
Identifiers: ClinVar variation 3225279 (VCV003225279.1), dbSNP rs1553905278, ClinGen allele CA356894200.